The following is an entry in ClinVar:

ClinVar aggregate classification (germline): Likely benign. Review status: criteria provided, multiple submitters, no conflicts (2 of 4 stars). 2 submissions from 2 submitters: Likely benign (2). Last evaluated 2018-01-12.

Conditions:
Factor XIII, A subunit, deficiency of. Also called: Factor XIII subunit A deficiency. Identifiers: Orphanet 331, MedGen C2750514, MONDO:0013187, OMIM 613225, HP:0040233.

Allele frequency attached by ClinVar (database versions not stated): gnomAD 0.04832 and 0.04735; gnomAD exomes 0.05447; 1000 Genomes Project 30x 0.02780; 1000 Genomes Project 0.02875; TOPMed 0.04715.
gnomAD v4.1: 10,708 of 215,478 alleles (5%); highest among the groups gnomAD compares: Non-Finnish European, 6.9%; 374 homozygotes.

Submissions (7):

Illumina Laboratory Services, Illumina
Classification: Likely benign for Factor XIII, A subunit, deficiency of. Last evaluated: 2018-01-12. Review status: criteria provided, single submitter. Criteria: ICSL Variant Classification Criteria 13 December 2019. Collection method: clinical testing. Allele origin: germline.
Comment: This variant was observed in the ICSL laboratory as part of a predisposition screen in an ostensibly healthy population. It had not been previously curated by ICSL or reported in the Human Gene Mutation Database (HGMD: prior to June 1st, 2018), and was therefore a candidate for classification through an automated scoring system. Utilizing variant allele frequency, disease prevalence and penetrance estimates, and inheritance mode, an automated score was calculated to assess if this variant is too frequent to cause the disease. Based on the score and internal cut-off values, a variant classified as likely benign is not then subjected to further curation. The score for this variant resulted in a classification of likely benign for this disease.

Breakthrough Genomics
Classification: Likely benign. Review status: criteria provided, single submitter. Criteria: ACMG Guidelines, 2015. Collection method: not provided. Allele origin: germline. Inheritance: Autosomal recessive inheritance. Affected: yes.

Dr. Peter K. Rogan Lab, Western University
No classification provided (evidence only). Condition: Uterine corpus endometrial carcinoma. Review status: no classification provided. Collection method: in vitro. Allele origin: not applicable. Functional consequence: retained intron. Not counted in ClinVar's aggregate classification.

Dr. Peter K. Rogan Lab, Western University
No classification provided (evidence only). Condition: Cervical cancer. Review status: no classification provided. Collection method: in vitro. Allele origin: not applicable. Functional consequence: retained intron. Not counted in ClinVar's aggregate classification.

Dr. Peter K. Rogan Lab, Western University
No classification provided (evidence only). Condition: Cervical cancer. Review status: no classification provided. Collection method: in vitro. Allele origin: not applicable. Functional consequence: retained intron. Not counted in ClinVar's aggregate classification.

Dr. Peter K. Rogan Lab, Western University
No classification provided (evidence only). Condition: Cholangiocarcinoma. Review status: no classification provided. Collection method: in vitro. Allele origin: not applicable. Functional consequence: retained intron. Not counted in ClinVar's aggregate classification.

Dr. Peter K. Rogan Lab, Western University
No classification provided (evidence only). Condition: Cholangiocarcinoma. Review status: no classification provided. Collection method: in vitro. Allele origin: not applicable. Functional consequence: retained intron. Not counted in ClinVar's aggregate classification.

NM_000129.4(F13A1):c.*443G>A

Gene: F13A1 (coagulation factor XIII A chain; minus strand). Cytogenetic location: 6p25.1.
Variant type: single nucleotide variant.
Coding change: c.*443G>A on transcript NM_000129.4 (MANE Select); 443 bases downstream of the stop codon, G replaced by A.
Molecular consequence: 3 prime UTR variant.
Genome position (GRCh38, 1-based): chr6:6,145,176, C>T on the plus strand (G>A on the coding strand, the complement: F13A1 is on the minus strand). VCF-style: chr6-6145176-C-T. GRCh37 (hg19) VCF-style: chr6-6145409-C-T.
Other names: NC_000006.11:g.6145409C>T.
Identifiers: ClinVar variation 357658 (VCV000357658.7), dbSNP rs3024486, ClinGen allele CA10627389.